The following is an entry in ClinVar:

ClinVar aggregate classification (germline): Conflicting classifications of pathogenicity. Review status: criteria provided, conflicting classifications (1 of 4 stars). 2 submissions from 2 submitters: Pathogenic (1); Benign (1). Last evaluated 2021-06-17.

Conditions:
Cystic fibrosis (CF). Also called: MUCOVISCIDOSIS. Identifiers: Orphanet 586, MedGen C0010674, MONDO:0009061, OMIM 219700. Disease mechanism: loss of function.

Submissions (2):

Labcorp Genetics (formerly Invitae), Labcorp
Classification: Benign for Cystic fibrosis. Last evaluated: 2021-06-17. Review status: criteria provided, single submitter. Criteria: Invitae Variant Classification Sherloc (09022015). Collection method: clinical testing. Allele origin: germline.

Ambry Genetics
Classification: Pathogenic for Cystic fibrosis. Last evaluated: 2020-04-27. Review status: criteria provided, single submitter. Criteria: Ambry Variant Classification Scheme 2023. Collection method: clinical testing. Allele origin: germline.
Comment: The 5T variant, located in intron 9 of the CFTR gene, is an alteration within the poly-thymidine tract, which decreases the efficiency of exon 10 splicing. The 5T variant in trans with a pathogenic CFTR mutation, or in the homozygous state, has been associated with CFTR-related disorders, including bronchiectasis (Sosnay PR et al. Pediatr. Clin. North Am., 2016 08;63:585-98), acute recurrent or chronic pancreatitis (Werlin S et al. J. Pediatr. Gastroenterol. Nutr., 2015 May;60:675-9; Masson E et al. PLoS ONE, 2013 Aug;8:e73522), and congenital bilateral absence of the vas deferens (CBAVD) (Bombieri C et al. J. Cyst. Fibros., 2011 Jun;10 Suppl 2:S86-102). The effect of 5T on exon 10 splicing is influenced by the adjacent TG tract, which usually consists of 11, 12, or 13 TG repeats. Increasing TG tract length correlates with decreased amount of full-length CFTR, thereby leading to higher likelihood of a cystic fibrosis phenotype (Sosnay PR et al. Pediatr. Clin. North Am., 2016 08;63:585-98); information regarding the number of TG repeats adjacent to the 5T allele is limited in pancreatitis and bronchiectasis research (Mantovani V et al. Clin. Chem., 2007 Mar;53:531-3; Bombieri C et al. J. Cyst. Fibros., 2011 Jun;10 Suppl 2:S86-102).

NM_000492.4(CFTR):c.1210-15_1210-10del

Genes: CFTR (CF transmembrane conductance regulator; plus strand), CFTR-AS1 (CFTR antisense RNA 1; minus strand). Cytogenetic location: 7q31.2.
Variant type: Deletion.
Coding change: c.1210-15_1210-10del on transcript NM_000492.4 (MANE Select); 15 bases into the intron before coding-DNA position 1210 through 10 bases into the intron before coding-DNA position 1210, 6 bases deleted (GTGTTT; older notation c.1210-15_1210-10delGTGTTT).
Molecular consequence: intron variant.
Genome position (GRCh38, 1-based): chr7:117,548,626-117,548,631, GTGTTT deleted; deleting any 6 consecutive bases within chr7:117,548,625-117,548,631 gives the same sequence; the c. name uses the placement nearest the transcript's 3' end. VCF-style (leftmost placement, unchanged base first): chr7-117548624-GTGTGTT-G. GRCh37 (hg19) VCF-style: chr7-117188678-GTGTGTT-G.
Identifiers: ClinVar variation 1167173 (VCV001167173.6), dbSNP rs2115902212, ClinGen allele CA2499218681.
Genomic context (GRCh38, chr7:117,548,624, plus strand): 5'-GCATCTATTGAAAATATCTGACAAACTCATCTTTTATTTTTGATGTGTGTGTGTGTGTGT[GTGTGTT>G]TTTTTAACAGGGATTTGGGGAATTATTTGAGAAAGCAAAACAAAACAATAACAATAGAAA-3'